The following is an entry in ClinVar:

ClinVar aggregate classification (germline): Uncertain significance. Review status: criteria provided, multiple submitters, no conflicts (2 of 4 stars). 2 submissions from 2 submitters: Uncertain significance (2). Last evaluated 2026-01-18.

Conditions:
Loeys-Dietz syndrome 2 (LDS2). Also called: TGFBR2-Related Loeys-Dietz Syndrome; AORTIC ANEURYSM, FAMILIAL THORACIC 3; MARFAN SYNDROME, TYPE II; Marfan syndrome, type 2 (formerly); Marfan Syndrome type 2; Marfan like connective tissue disorder. Identifiers: Orphanet 284973, Orphanet 558, MedGen C2674574, MONDO:0012427, OMIM 610168.

Allele frequency attached by ClinVar (database versions not stated): gnomAD exomes 0.00001; ExAC 0.00002; gnomAD 0.00002; TOPMed 0.00002; 1000 Genomes Project 30x 0.00016; 1000 Genomes Project 0.00020.
gnomAD v4.1: 13 of 1,614,234 alleles (0.00081%); highest among the groups gnomAD compares: East Asian, 0.027%; no homozygotes.

Submissions (2):

Labcorp Genetics (formerly Invitae), Labcorp
Classification: Uncertain significance for Loeys-Dietz syndrome 2. Last evaluated: 2026-01-18. Review status: criteria provided, single submitter. Criteria: Invitae Variant Classification Sherloc (09022015). Collection method: clinical testing. Allele origin: germline.
Comment: This sequence change replaces lysine, which is basic and polar, with asparagine, which is neutral and polar, at codon 435 of the TMPO protein (p.Lys435Asn). This variant is present in population databases (rs181830203, gnomAD 0.06%). This variant has not been reported in the literature in individuals affected with TMPO-related conditions. ClinVar contains an entry for this variant (Variation ID: 1769506). Invitae Evidence Modeling of protein sequence and biophysical properties (such as structural, functional, and spatial information, amino acid conservation, physicochemical variation, residue mobility, and thermodynamic stability) indicates that this missense variant is not expected to disrupt TMPO protein function with a negative predictive value of 80%. In summary, the available evidence is currently insufficient to determine the role of this variant in disease. Therefore, it has been classified as a Variant of Uncertain Significance.

Ambry Genetics
Classification: Uncertain significance. Last evaluated: 2021-06-14. Review status: criteria provided, single submitter. Criteria: Ambry Variant Classification Scheme 2023. Collection method: clinical testing. Allele origin: germline.
Comment: The p.K435N variant (also known as c.1305G>C), located in coding exon 4 of the TMPO gene, results from a G to C substitution at nucleotide position 1305. The lysine at codon 435 is replaced by asparagine, an amino acid with similar properties. This amino acid position is conserved. In addition, this alteration is predicted to be tolerated by in silico analysis. Since supporting evidence is limited at this time, the clinical significance of this alteration remains unclear.

NM_001032283.3(TMPO):c.565+1724G>C

Gene: TMPO (thymopoietin; plus strand). Cytogenetic location: 12q23.1.
Variant type: single nucleotide variant.
Coding change: c.565+1724G>C on transcript NM_001032283.3 (MANE Select); 1724 bases into the intron after coding-DNA position 565, G replaced by C.
Molecular consequence: intron variant. On other transcripts: missense variant (1).
Genome position (GRCh38, 1-based): chr12:98,533,562, G>C. VCF-style: chr12-98533562-G-C. GRCh37 (hg19) VCF-style: chr12-98927340-G-C.
Other names: c.1305G>C, p.Lys435Asn (NM_003276.2); c.565+1724G>C (NM_001307975.2, NM_001032284.3); short protein forms K435N.
Identifiers: ClinVar variation 1769506 (VCV001769506.5), dbSNP rs181830203, ClinGen allele CA6732395.